The following is an entry in ClinVar:

ClinVar aggregate classification (germline): Uncertain significance (1 of 4 stars; one submission).

Allele frequency attached by ClinVar (database versions not stated): TOPMed below 0.00001; gnomAD exomes 0.00001.
gnomAD v4.1: 19 of 1,613,948 alleles (0.0012%); highest among the groups gnomAD compares: Non-Finnish European, 0.0014%; no homozygotes.

Submission:

Ambry Genetics
Classification: Uncertain significance. Last evaluated: 2022-03-30. Review status: criteria provided, single submitter. Criteria: Ambry Variant Classification Scheme 2023. Collection method: clinical testing. Allele origin: germline.
Comment: The p.Q155E variant (also known as c.463C>G), located in coding exon 5 of the BUB1 gene, results from a C to G substitution at nucleotide position 463. The glutamine at codon 155 is replaced by glutamic acid, an amino acid with highly similar properties. This amino acid position is conserved. In addition, this alteration is predicted to be tolerated by in silico analysis. Since supporting evidence is limited at this time, the clinical significance of this alteration remains unclear.

NM_004336.5(BUB1):c.463C>G (p.Gln155Glu)

Gene: BUB1 (BUB1 mitotic checkpoint serine/threonine kinase; minus strand). Cytogenetic location: 2q13.
Variant type: single nucleotide variant.
Coding change: c.463C>G on transcript NM_004336.5 (MANE Select); coding-DNA position 463, C replaced by G.
Protein change: p.Gln155Glu; replaces glutamine 155 with glutamic acid.
Molecular consequence: missense variant.
Genome position (GRCh38, 1-based): chr2:110,670,528, G>C on the plus strand (C>G on the coding strand, the complement: BUB1 is on the minus strand). VCF-style: chr2-110670528-G-C. GRCh37 (hg19) VCF-style: chr2-111428105-G-C.
Other names: c.403C>G, p.Gln135Glu (NM_001278616.2); c.463C>G, p.Gln155Glu (NM_001278617.2); short protein forms Q155E, Q135E.
Identifiers: ClinVar variation 1742090 (VCV001742090.2), dbSNP rs780438611, ClinGen allele CA53543168.